The following is an entry in ClinVar:

ClinVar aggregate classification (germline): Benign/Likely benign. Review status: criteria provided, multiple submitters, no conflicts (2 of 4 stars). 5 submissions from 5 submitters: Benign (2); Likely benign (1). 2 of the submissions do not count toward it. Last evaluated 2025-12-22.

Submissions (5):

Labcorp Genetics (formerly Invitae), Labcorp
Classification: Benign. Last evaluated: 2025-12-22. Review status: criteria provided, single submitter. Criteria: Invitae Variant Classification Sherloc (09022015). Collection method: clinical testing. Allele origin: germline.

Blueprint Genetics
Classification: Likely benign. Last evaluated: 2024-11-25. Review status: criteria provided, single submitter. Criteria: ACMG Guidelines, 2015. Collection method: clinical testing. Allele origin: germline.

GeneDx
Classification: Benign. Last evaluated: 2014-12-09. Review status: criteria provided, single submitter. Criteria: GeneDx Variant Classification (06012015). Collection method: clinical testing. Allele origin: germline. Affected: yes.
Comment: The variant is found in MITONUC-MITOP panel(s).

Clinical Genetics DNA and cytogenetics Diagnostics Lab, Erasmus MC, Erasmus Medical Center
Classification: Likely benign. Review status: no assertion criteria provided. Collection method: clinical testing. Allele origin: germline. Affected: yes. Study: VKGL Data-share Consensus. Not counted in ClinVar's aggregate classification.

Genome Diagnostics Laboratory, University Medical Center Utrecht
Classification: Likely benign. Review status: no assertion criteria provided. Collection method: clinical testing. Allele origin: germline. Affected: yes. Study: VKGL Data-share Consensus. Not counted in ClinVar's aggregate classification.

NM_006796.3(AFG3L2):c.293-14_293-13del

Gene: AFG3L2 (AFG3 like matrix AAA peptidase subunit 2; minus strand). Cytogenetic location: 18p11.21.
Variant type: Deletion.
Coding change: c.293-14_293-13del on transcript NM_006796.3 (MANE Select); 14 bases into the intron before coding-DNA position 293 through 13 bases into the intron before coding-DNA position 293, 2 bases deleted (TT; older notation c.293-14_293-13delTT).
Molecular consequence: intron variant.
Genome position (GRCh38, 1-based): chr18:12,367,395-12,367,396, AA deleted on the plus strand (TT on the coding strand, the reverse complement: AFG3L2 is on the minus strand); deleting any 2 consecutive bases within chr18:12,367,395-12,367,397 gives the same sequence; the c. name uses the placement nearest the transcript's 3' end. VCF-style (leftmost placement, unchanged base first): chr18-12367394-CAA-C. GRCh37 (hg19) VCF-style: chr18-12367393-CAA-C.
Other names: c.293-14_293-13delTT (NM_006796.2).
Identifiers: ClinVar variation 214051 (VCV000214051.12), dbSNP rs556473698, ClinGen allele CA320655.